The following is an entry in ClinVar:

ClinVar aggregate classification (germline): Uncertain significance (1 of 4 stars; one submission).

Submission:

GeneDx
Classification: Uncertain significance. Last evaluated: 2024-11-26. Review status: criteria provided, single submitter. Criteria: GeneDx Variant Classification Process June 2021. Collection method: clinical testing. Allele origin: germline. Affected: yes.
Comment: Not observed at significant frequency in large population cohorts (gnomAD); In silico analysis supports that this missense variant has a deleterious effect on protein structure/function; Has not been previously published as pathogenic or benign to our knowledge

NM_014991.6(WDFY3):c.1784A>G (p.Gln595Arg)

Gene: WDFY3 (WD repeat and FYVE domain containing 3; minus strand). Cytogenetic location: 4q21.23.
Variant type: single nucleotide variant.
Coding change: c.1784A>G on transcript NM_014991.6 (MANE Select); coding-DNA position 1784, A replaced by G.
Protein change: p.Gln595Arg; replaces glutamine 595 with arginine.
Molecular consequence: missense variant.
Genome position (GRCh38, 1-based): chr4:84,817,495, T>C on the plus strand (A>G on the coding strand, the complement: WDFY3 is on the minus strand). VCF-style: chr4-84817495-T-C. GRCh37 (hg19) VCF-style: chr4-85738648-T-C.
Other names: short protein forms Q595R.
Identifiers: ClinVar variation 3900203 (VCV003900203.1).